The following is an entry in ClinVar:

ClinVar aggregate classification (germline): Pathogenic (1 of 4 stars; one submission).

Conditions:
Hereditary cancer-predisposing syndrome. Also called: Neoplastic Syndromes, Hereditary; Tumor predisposition; Hereditary Cancer Syndrome; Hereditary neoplastic syndrome. Identifiers: Orphanet 140162, MedGen C0027672, MeSH D009386, MONDO:0015356.

Submission:

Ambry Genetics
Classification: Pathogenic for Hereditary cancer-predisposing syndrome. Last evaluated: 2019-08-19. Review status: criteria provided, single submitter. Criteria: Ambry Variant Classification Scheme 2023. Collection method: clinical testing. Allele origin: germline.
Comment: The c.2042delT pathogenic mutation, located in coding exon 4 of the MSH6 gene, results from a deletion of one nucleotide at nucleotide position 2042, causing a translational frameshift with a predicted alternate stop codon (p.L681Pfs*4). This alteration is expected to result in loss of function by premature protein truncation or nonsense-mediated mRNA decay. As such, this alteration is interpreted as a disease-causing mutation.

NM_000179.3(MSH6):c.2042del (p.Leu681fs)

Gene: MSH6 (mutS homolog 6; plus strand). Cytogenetic location: 2p16.3.
Variant type: Deletion.
Coding change: c.2042del on transcript NM_000179.3 (MANE Select); coding-DNA position 2042, one base deleted (T; older notation c.2042delT).
Protein change: p.Leu681fs; shifts the reading frame from leucine 681.
Molecular consequence: frameshift variant.
Genome position (GRCh38, 1-based): chr2:47,800,025, T deleted. VCF-style (leftmost placement, unchanged base first): chr2-47800024-CT-C. GRCh37 (hg19) VCF-style: chr2-48027163-CT-C.
Other names: c.1652del, p.Leu551fs (NM_001281492.2); c.1136del, p.Leu379fs (NM_001281493.2, NM_001281494.2); short protein forms L379fs, L551fs, L681fs.
Identifiers: ClinVar variation 820576 (VCV000820576.4), dbSNP rs1572725461, ClinGen allele CA915943926.